The following is an entry in ClinVar:

ClinVar aggregate classification (germline): Uncertain significance. Review status: criteria provided, multiple submitters, no conflicts (2 of 4 stars). 2 submissions from 2 submitters: Uncertain significance (2). Last evaluated 2023-07-25.

Submissions (2):

Labcorp Genetics (formerly Invitae), Labcorp
Classification: Uncertain significance. Last evaluated: 2023-07-25. Review status: criteria provided, single submitter. Criteria: Invitae Variant Classification Sherloc (09022015). Collection method: clinical testing. Allele origin: germline.
Comment: In summary, the available evidence is currently insufficient to determine the role of this variant in disease. Therefore, it has been classified as a Variant of Uncertain Significance. Advanced modeling of protein sequence and biophysical properties (such as structural, functional, and spatial information, amino acid conservation, physicochemical variation, residue mobility, and thermodynamic stability) performed at Invitae indicates that this missense variant is expected to disrupt COMP protein function. This variant has not been reported in the literature in individuals affected with COMP-related conditions. This variant is not present in population databases (gnomAD no frequency). This sequence change replaces cysteine, which is neutral and slightly polar, with tyrosine, which is neutral and polar, at codon 125 of the COMP protein (p.Cys125Tyr).

Blueprint Genetics
Classification: Uncertain significance. Last evaluated: 2022-04-20. Review status: criteria provided, single submitter. Criteria: ACMG Guidelines, 2015. Collection method: clinical testing. Allele origin: germline.

NM_000095.3(COMP):c.374G>A (p.Cys125Tyr)

Gene: COMP (cartilage oligomeric matrix protein; minus strand). Cytogenetic location: 19p13.11.
Variant type: single nucleotide variant.
Coding change: c.374G>A on transcript NM_000095.3 (MANE Select); coding-DNA position 374, G replaced by A.
Protein change: p.Cys125Tyr; replaces cysteine 125 with tyrosine.
Molecular consequence: missense variant.
Genome position (GRCh38, 1-based): chr19:18,789,958, C>T on the plus strand (G>A on the coding strand, the complement: COMP is on the minus strand). VCF-style: chr19-18789958-C-T. GRCh37 (hg19) VCF-style: chr19-18900767-C-T.
Other names: short protein forms C125Y.
Identifiers: ClinVar variation 2790461 (VCV002790461.4), dbSNP rs2512854226, ClinGen allele CA404898244.